The following is an entry in ClinVar:

NM_000518.5(HBB):c.146del (p.Leu49fs)

Genes: HBB (hemoglobin subunit beta; minus strand), LOC107133510 (origin of replication at HBB; plus strand), LOC106099062 (HBB recombination region; plus strand). Cytogenetic location: 11p15.4.
Variant type: Deletion.
Coding change: c.146del on transcript NM_000518.5 (MANE Select); coding-DNA position 146, one base deleted (T; older notation c.146delT).
Protein change: p.Leu49fs; shifts the reading frame from leucine 49.
Molecular consequence: frameshift variant.
Genome position (GRCh38, 1-based): chr11:5,226,746, A deleted on the plus strand (T on the coding strand, the reverse complement: HBB is on the minus strand). VCF-style (leftmost placement, unchanged base first): chr11-5226745-CA-C. GRCh37 (hg19) VCF-style: chr11-5247975-CA-C.
Other names: CD 48 -T; c.146del (NM_000518.4); short protein forms L49fs.
Identifiers: ClinVar variation 869341 (VCV000869341.2), dbSNP rs1847562491, ClinGen allele CA916083204.

ClinVar aggregate classification (germline): Pathogenic. Review status: criteria provided, single submitter (1 of 4 stars). 2 submissions from 2 submitters: Pathogenic (1). 1 of the submissions does not count toward it. Last evaluated 2022-11-18.

Conditions:
beta Thalassemia (BTHAL). Also called: Cooley's anemia; Erythroblastic anemia; Mediterranean anemia. Identifiers: Orphanet 848, MedGen C0005283, MONDO:0019402. Disease mechanism: loss of function.

Submissions (2):

Quest Diagnostics Nichols Institute San Juan Capistrano
Classification: Pathogenic. Last evaluated: 2022-11-18. Review status: criteria provided, single submitter. Criteria: Quest Diagnostics criteria. Collection method: clinical testing. Allele origin: unknown.
Comment: This frameshift variant alters the translational reading frame of the HBB mRNA and causes the premature termination of HBB protein synthesis. This variant has not been reported in large, multi-ethnic general populations. In the published literature, the variant has been reported in multiple members of a family presenting with hypochromic and microcytic anemia (PMID: 22898041 (2013)). Based on the available information, this variant is classified as pathogenic.

The ITHANET community portal, The Cyprus Institute of Neurology and Genetics
Classification: Pathogenic for beta Thalassemia. Last evaluated: 2019-11-25. Review status: no assertion criteria provided. Collection method: curation. Allele origin: germline. Not counted in ClinVar's aggregate classification.

Literature cited by the submitters: PubMed 22898041 (cited by Quest Diagnostics Nichols Institute San Juan Capistrano and The ITHANET community portal, The Cyprus Institute of Neurology and Genetics).